The following is an entry in ClinVar:

ClinVar aggregate classification (germline): Uncertain significance (1 of 4 stars; one submission).

Conditions:
Oculofaciocardiodental syndrome (MCOPS2). Identifiers: Orphanet 2712, MedGen C1846265, MONDO:0010261, OMIM 300166.

Submission:

Labcorp Genetics (formerly Invitae), Labcorp
Classification: Uncertain significance for Oculofaciocardiodental syndrome. Last evaluated: 2024-05-09. Review status: criteria provided, single submitter. Criteria: Invitae Variant Classification Sherloc (09022015). Collection method: clinical testing. Allele origin: germline.
Comment: This sequence change replaces glutamic acid, which is acidic and polar, with alanine, which is neutral and non-polar, at codon 1103 of the BCOR protein (p.Glu1103Ala). This variant is present in population databases (rs756563587, gnomAD 0.001%). This variant has not been reported in the literature in individuals affected with BCOR-related conditions. An algorithm developed to predict the effect of missense changes on protein structure and function (PolyPhen-2) suggests that this variant is likely to be tolerated. In summary, the available evidence is currently insufficient to determine the role of this variant in disease. Therefore, it has been classified as a Variant of Uncertain Significance.

NM_001123385.2(BCOR):c.3308A>C (p.Glu1103Ala)

Gene: BCOR (BCL6 corepressor; minus strand). Cytogenetic location: Xp11.4.
Variant type: single nucleotide variant.
Coding change: c.3308A>C on transcript NM_001123385.2 (MANE Select); coding-DNA position 3308, A replaced by C.
Protein change: p.Glu1103Ala; replaces glutamic acid 1103 with alanine.
Molecular consequence: missense variant.
Genome position (GRCh38, 1-based): chrX:40,064,530, T>G on the plus strand (A>C on the coding strand, the complement: BCOR is on the minus strand). VCF-style: chrX-40064530-T-G. GRCh37 (hg19) VCF-style: chrX-39923783-T-G.
Other names: c.3308A>C, p.Glu1103Ala (NM_001123383.2, NM_017745.6); c.3254A>C, p.Glu1085Ala (NM_001123384.2); short protein forms E1103A, E1085A.
Identifiers: ClinVar variation 3684161 (VCV003684161.2).